The following is an entry in ClinVar:

NM_001267550.2(TTN):c.46591G>T (p.Gly15531Ter)

Genes: TTN (titin; minus strand), TTN-AS1 (TTN antisense RNA 1; plus strand). Cytogenetic location: 2q31.2.
Variant type: single nucleotide variant.
Coding change: c.46591G>T on transcript NM_001267550.2 (MANE Select); coding-DNA position 46591, G replaced by T.
Protein change: p.Gly15531Ter; replaces glycine 15531 with a stop codon.
Molecular consequence: nonsense.
Genome position (GRCh38, 1-based): chr2:178,619,726, C>A on the plus strand (G>T on the coding strand, the complement: TTN is on the minus strand). VCF-style: chr2-178619726-C-A. GRCh37 (hg19) VCF-style: chr2-179484453-C-A.
Other names: c.41668G>T, p.Gly13890Ter (NM_001256850.1); c.19396G>T, p.Gly6466Ter (NM_003319.4); c.38887G>T, p.Gly12963Ter (NM_133378.4); c.19771G>T, p.Gly6591Ter (NM_133432.3); c.19972G>T, p.Gly6658Ter (NM_133437.4); short protein forms G12963*, G13890*, G15531*, G6466*, G6591*, G6658*.
Identifiers: ClinVar variation 3253281 (VCV003253281.1), dbSNP rs761815745.

ClinVar aggregate classification (germline): Likely pathogenic (1 of 4 stars; one submission).

Submission:

GeneDx
Classification: Likely pathogenic. Last evaluated: 2024-01-08. Review status: criteria provided, single submitter. Criteria: GeneDx Variant Classification Process June 2021. Collection method: clinical testing. Allele origin: germline. Affected: yes.
Comment: Has not been previously published as pathogenic or benign to our knowledge; Not observed in large population cohorts (gnomAD); Nonsense variant predicted to result in protein truncation or nonsense mediated decay in a gene for which loss-of-function is a known mechanism of disease; This variant is associated with the following publications: (PMID: 27625338, 27869827)